The following is an entry in ClinVar:

ClinVar aggregate classification (germline): Uncertain significance (1 of 4 stars; one submission).

Conditions:
Inborn genetic diseases. Identifiers: MedGen C0950123, MeSH D030342.
Juvenile nephropathic cystinosis. Also called: Later-Onset (Juvenile) Cystinosis; Intermediate Cystinosis; CYSTINOSIS, LATE-ONSET JUVENILE OR ADOLESCENT NEPHROPATHIC TYPE. Identifiers: Orphanet 213, Orphanet 411634, MedGen C0268626, MONDO:0009066, OMIM 219900.
Ocular cystinosis. Also called: Non-Nephropathic (Ocular) Cystinosis; Non-Nephropathic Cystinosis. Identifiers: Orphanet 213, Orphanet 411641, MedGen C2931013, MONDO:0009064, OMIM 219750.

Submission:

Labcorp Genetics (formerly Invitae), Labcorp
Classification: Uncertain significance for Inborn genetic diseases; Ocular cystinosis; Juvenile nephropathic cystinosis. Last evaluated: 2022-05-25. Review status: criteria provided, single submitter. Criteria: Invitae Variant Classification Sherloc (09022015). Collection method: clinical testing. Allele origin: germline.
Comment: This sequence change replaces valine, which is neutral and non-polar, with leucine, which is neutral and non-polar, at codon 198 of the CTNS protein (p.Val198Leu). This variant is not present in population databases (gnomAD no frequency). This variant has not been reported in the literature in individuals affected with CTNS-related conditions. Advanced modeling of protein sequence and biophysical properties (such as structural, functional, and spatial information, amino acid conservation, physicochemical variation, residue mobility, and thermodynamic stability) performed at Invitae indicates that this missense variant is not expected to disrupt CTNS protein function. In summary, the available evidence is currently insufficient to determine the role of this variant in disease. Therefore, it has been classified as a Variant of Uncertain Significance.

NM_004937.3(CTNS):c.592G>T (p.Val198Leu)

Genes: CTNS (cystinosin, lysosomal cystine transporter; plus strand), CTNS-AS1 (CTNS antisense RNA 1; minus strand). Cytogenetic location: 17p13.2.
Variant type: single nucleotide variant.
Coding change: c.592G>T on transcript NM_004937.3 (MANE Select); coding-DNA position 592, G replaced by T.
Protein change: p.Val198Leu; replaces valine 198 with leucine.
Molecular consequence: missense variant.
Genome position (GRCh38, 1-based): chr17:3,656,706, G>T. VCF-style: chr17-3656706-G-T. GRCh37 (hg19) VCF-style: chr17-3560000-G-T.
Other names: c.592G>T, p.Val198Leu (NM_001031681.3, NM_001374492.1); c.151G>T, p.Val51Leu (NM_001374493.1, NM_001374494.1, NM_001374495.1 and 1 more transcripts); short protein forms V198L, V51L.
Identifiers: ClinVar variation 1986227 (VCV001986227.1), dbSNP rs2076156380, ClinGen allele CA397691507.